The following is an entry in ClinVar:

NM_000064.4(C3):c.4204A>G (p.Ile1402Val)

Gene: C3 (complement C3; minus strand). Cytogenetic location: 19p13.3.
Variant type: single nucleotide variant.
Coding change: c.4204A>G on transcript NM_000064.4 (MANE Select); coding-DNA position 4204, A replaced by G.
Protein change: p.Ile1402Val; replaces isoleucine 1402 with valine.
Molecular consequence: missense variant.
Genome position (GRCh38, 1-based): chr19:6,682,198, T>C on the plus strand (A>G on the coding strand, the complement: C3 is on the minus strand). VCF-style: chr19-6682198-T-C. GRCh37 (hg19) VCF-style: chr19-6682209-T-C.
Other names: short protein forms I1402V.
Identifiers: ClinVar variation 1468010 (VCV001468010.8), dbSNP rs990661864, ClinGen allele CA304773063.

ClinVar aggregate classification (germline): Uncertain significance (1 of 4 stars; one submission).

Allele frequency attached by ClinVar (database versions not stated): gnomAD exomes below 0.00001; gnomAD 0.00001; TOPMed 0.00002.

Submission:

Labcorp Genetics (formerly Invitae), Labcorp
Classification: Uncertain significance. Last evaluated: 2022-07-19. Review status: criteria provided, single submitter. Criteria: Invitae Variant Classification Sherloc (09022015). Collection method: clinical testing. Allele origin: germline.
Comment: This variant is present in population databases (no rsID available, gnomAD 0.01%). In summary, the available evidence is currently insufficient to determine the role of this variant in disease. Therefore, it has been classified as a Variant of Uncertain Significance. Algorithms developed to predict the effect of missense changes on protein structure and function are either unavailable or do not agree on the potential impact of this missense change (SIFT: "Deleterious"; PolyPhen-2: "Benign"; Align-GVGD: "Class C25"). ClinVar contains an entry for this variant (Variation ID: 1468010). This variant has not been reported in the literature in individuals affected with C3-related conditions. This sequence change replaces isoleucine, which is neutral and non-polar, with valine, which is neutral and non-polar, at codon 1402 of the C3 protein (p.Ile1402Val).